The following is an entry in ClinVar:

NM_001139.3(ALOX12B):c.1179C>T (p.His393=)

Gene: ALOX12B (arachidonate 12-lipoxygenase, 12R type; minus strand). Cytogenetic location: 17p13.1.
Variant type: single nucleotide variant.
Coding change: c.1179C>T on transcript NM_001139.3 (MANE Select); coding-DNA position 1179, C replaced by T.
Protein change: p.His393=; no amino-acid change (histidine 393 retained).
Molecular consequence: synonymous variant.
Genome position (GRCh38, 1-based): chr17:8,077,086, G>A on the plus strand (C>T on the coding strand, the complement: ALOX12B is on the minus strand). VCF-style: chr17-8077086-G-A. GRCh37 (hg19) VCF-style: chr17-7980404-G-A.
Other names: c.1179C>T, p.His393= (LRG_1264t1).
Identifiers: ClinVar variation 325882 (VCV000325882.40), dbSNP rs112835279, ClinGen allele CA8367376.

ClinVar aggregate classification (germline): Benign/Likely benign. Review status: criteria provided, multiple submitters, no conflicts (2 of 4 stars). 5 submissions from 5 submitters: Benign (3); Likely benign (2). Last evaluated 2026-06-01.

Conditions:
Autosomal recessive congenital ichthyosis 2 (ARCI2). Identifiers: Orphanet 281122, Orphanet 79394, MedGen C3888093, MONDO:0009439, OMIM 242100.

Allele frequency attached by ClinVar (database versions not stated): gnomAD exomes 0.00224 and 0.00340; gnomAD 0.00365 and 0.00390; ExAC 0.00382; TOPMed 0.00404; ESP Exome Variant Server 0.00492; 1000 Genomes Project 0.00679; 1000 Genomes Project 30x 0.00703.
gnomAD v4.1: 3,925 of 1,614,042 alleles (0.24%); highest among the groups gnomAD compares: Middle Eastern, 1.5%; 31 homozygotes.

Submissions (5):

CeGaT Center for Human Genetics Tuebingen
Classification: Benign. Last evaluated: 2026-06-01. Review status: criteria provided, single submitter. Criteria: CeGaT Center For Human Genetics Tuebingen Variant Classification Criteria Version 2. Collection method: clinical testing. Allele origin: germline. Affected: yes. Observed: 2 variant alleles.
Comment: ALOX12B: BP4, BP7, BS1, BS2

Labcorp Genetics (formerly Invitae), Labcorp
Classification: Benign. Last evaluated: 2026-01-28. Review status: criteria provided, single submitter. Criteria: Invitae Variant Classification Sherloc (09022015). Collection method: clinical testing. Allele origin: germline.

Illumina Laboratory Services, Illumina
Classification: Likely benign for Autosomal recessive congenital ichthyosis 2. Last evaluated: 2018-01-13. Review status: criteria provided, single submitter. Criteria: ICSL Variant Classification Criteria 13 December 2019. Collection method: clinical testing. Allele origin: germline.
Comment: This variant was observed in the ICSL laboratory as part of a predisposition screen in an ostensibly healthy population. It had not been previously curated by ICSL or reported in the Human Gene Mutation Database (HGMD: prior to June 1st, 2018), and was therefore a candidate for classification through an automated scoring system. Utilizing variant allele frequency, disease prevalence and penetrance estimates, and inheritance mode, an automated score was calculated to assess if this variant is too frequent to cause the disease. Based on the score and internal cut-off values, a variant classified as likely benign is not then subjected to further curation. The score for this variant resulted in a classification of likely benign for this disease.

GeneDx
Classification: Benign. Last evaluated: 2015-03-03. Review status: criteria provided, single submitter. Criteria: GeneDx Variant Classification Process June 2021. Collection method: clinical testing. Allele origin: germline. Affected: yes.

Breakthrough Genomics
Classification: Likely benign. Review status: criteria provided, single submitter. Criteria: ACMG Guidelines, 2015. Collection method: not provided. Allele origin: germline. Inheritance: Autosomal recessive inheritance. Affected: yes.